The following is an entry in ClinVar:

ClinVar aggregate classification (germline): Uncertain significance (1 of 4 stars; one submission).

Conditions:
BAP1-related tumor predisposition syndrome (TPDS1). Also called: COMMON Syndrome; BAP1 tumor predisposition syndrome; Tumor susceptibility linked to germline BAP1 mutations; TUMOR PREDISPOSITION SYNDROME 1. Identifiers: Orphanet 289539, MedGen C3280492, MONDO:0013692, OMIM 614327.

Submissions (2):

Labcorp Genetics (formerly Invitae), Labcorp
Classification: Uncertain significance for BAP1-related tumor predisposition syndrome. Last evaluated: 2019-04-10. Review status: criteria provided, single submitter. Criteria: Invitae Variant Classification Sherloc (09022015). Collection method: clinical testing. Allele origin: germline.
Comment: This sequence change replaces glutamic acid with lysine at codon 30 of the BAP1 protein (p.Glu30Lys). The glutamic acid residue is highly conserved and there is a small physicochemical difference between glutamic acid and lysine. In summary, the available evidence is currently insufficient to determine the role of this variant in disease. Therefore, it has been classified as a Variant of Uncertain Significance. Algorithms developed to predict the effect of missense changes on protein structure and function are either unavailable or do not agree on the potential impact of this missense change (SIFT: "Deleterious"; PolyPhen-2: "Benign"; Align-GVGD: "Class C55"). This variant has not been reported in the literature in individuals with BAP1-related conditions. This variant is not present in population databases (ExAC no frequency).

Dr. Peter K. Rogan Lab, Western University
No classification provided (evidence only). Condition: Melanoma. Review status: no classification provided. Collection method: in vitro. Allele origin: not applicable. Functional consequence: retained intron. Not counted in ClinVar's aggregate classification.

NM_004656.4(BAP1):c.88G>A (p.Glu30Lys)

Gene: BAP1 (BRCA1 associated deubiquitinase 1; minus strand). Cytogenetic location: 3p21.1.
Variant type: single nucleotide variant.
Coding change: c.88G>A on transcript NM_004656.4 (MANE Select); coding-DNA position 88, G replaced by A.
Protein change: p.Glu30Lys; replaces glutamic acid 30 with lysine.
Molecular consequence: missense variant.
Genome position (GRCh38, 1-based): chr3:52,409,588, C>T on the plus strand (G>A on the coding strand, the complement: BAP1 is on the minus strand). VCF-style: chr3-52409588-C-T. GRCh37 (hg19) VCF-style: chr3-52443604-C-T.
Other names: short protein forms E30K.
Identifiers: ClinVar variation 952268 (VCV000952268.8), dbSNP rs1705292962, ClinGen allele CA353114671.
Genomic context (GRCh38, chr3:52,409,588, plus strand): 5'-GGCAGCCCTGGTGTACAGCCACTCACCCCTGACATTTGCTCTGAAGGTCGTAGATCTCCT[C>T]CACTTGCACCCCCTTGACACCTGCGATGAGGAAAGGAAAGCAGTAGGGAAGGACAGCCCC-3'
Protein context (NP_004647.1, residues 20-40): EDFGVKGVQV[Glu30Lys]EIYDLQSKCQ